The following is an entry in ClinVar:

NM_018972.4(GDAP1):c.754G>A (p.Ala252Thr)

Gene: GDAP1 (ganglioside induced differentiation associated protein 1; plus strand). Cytogenetic location: 8q21.11.
Variant type: single nucleotide variant.
Coding change: c.754G>A on transcript NM_018972.4 (MANE Select); coding-DNA position 754, G replaced by A.
Protein change: p.Ala252Thr; replaces alanine 252 with threonine.
Molecular consequence: missense variant. On other transcripts: intron variant (1).
Genome position (GRCh38, 1-based): chr8:74,364,044, G>A. VCF-style: chr8-74364044-G-A. GRCh37 (hg19) VCF-style: chr8-75276279-G-A.
Other names: c.550G>A, p.Ala184Thr (NM_001040875.4); c.427G>A, p.Ala143Thr (NM_001362929.2, NM_001362932.2); c.580G>A, p.Ala194Thr (NM_001362930.2); c.694+991G>A (NM_001362931.2); short protein forms A252T, A184T, A194T, A143T.
Identifiers: ClinVar variation 467770 (VCV000467770.9), dbSNP rs778105019, ClinGen allele CA4785196.

ClinVar aggregate classification (germline): Conflicting classifications of pathogenicity. Review status: criteria provided, conflicting classifications (1 of 4 stars). 2 submissions from 2 submitters: Pathogenic (1); Uncertain significance (1). Last evaluated 2025-11-23.

Conditions:
Charcot-Marie-Tooth disease type 4A. Also called: Charcot-Marie-Tooth disease, demyelinating, autosomal recessive, type 4a. Identifiers: Orphanet 99948, MedGen C1859198, MONDO:0008961, OMIM 214400.

Allele frequency attached by ClinVar (database versions not stated): ExAC 0.00001; gnomAD 0.00001; gnomAD exomes 0.00001; TOPMed 0.00002.
gnomAD v4.1: 15 of 1,613,820 alleles (0.00093%); highest among the groups gnomAD compares: South Asian, 0.0022%; no homozygotes.

Submissions (2):

Labcorp Genetics (formerly Invitae), Labcorp
Classification: Pathogenic for Charcot-Marie-Tooth disease type 4A. Last evaluated: 2025-11-23. Review status: criteria provided, single submitter. Criteria: Invitae Variant Classification Sherloc (09022015). Collection method: clinical testing. Allele origin: germline.
Comment: This sequence change replaces alanine, which is neutral and non-polar, with threonine, which is neutral and polar, at codon 252 of the GDAP1 protein (p.Ala252Thr). This variant is present in population databases (rs778105019, gnomAD 0.003%). This missense change has been observed in individual(s) with clinical features of autosomal recessive Charcot-Marie-Tooth disease (PMID: 32298515; internal data). In at least one individual the data is consistent with being in trans (on the opposite chromosome) from a pathogenic variant. ClinVar contains an entry for this variant (Variation ID: 467770). Invitae Evidence Modeling of protein sequence and biophysical properties (such as structural, functional, and spatial information, amino acid conservation, physicochemical variation, residue mobility, and thermodynamic stability) indicates that this missense variant is not expected to disrupt GDAP1 protein function with a negative predictive value of 80%. For these reasons, this variant has been classified as Pathogenic.

Women's Health and Genetics/Laboratory Corporation of America, LabCorp
Classification: Uncertain significance. Last evaluated: 2024-06-25. Review status: criteria provided, single submitter. Criteria: LabCorp Variant Classification Summary - May 2015. Collection method: clinical testing. Allele origin: germline.
Comment: Variant summary: GDAP1 c.754G>A (p.Ala252Thr) results in a non-conservative amino acid change located in the Glutathione S-transferase, C-terminal-like domain (IPR010987) of the encoded protein sequence. Five of five in-silico tools predict a damaging effect of the variant on protein function. The variant allele was found at a frequency of 8e-06 in 251468 control chromosomes. The available data on variant occurrences in the general population are insufficient to allow any conclusion about variant significance. c.754G>A has been reported in the literature in the presumed compound heterozygous state in at least 1 individual affected with hereditary motor neuropathy (example, Liu_2020). These data do not allow any conclusion about variant significance. To our knowledge, no experimental evidence demonstrating an impact on protein function has been reported. The following publication has been ascertained in the context of this evaluation (PMID: 32298515). ClinVar contains an entry for this variant (Variation ID: 467770). Based on the evidence outlined above, the variant was classified as uncertain significance.

Literature cited by the submitters: PubMed 32298515 (cited by Labcorp Genetics (formerly Invitae), Labcorp and Women's Health and Genetics/Laboratory Corporation of America, LabCorp).